The following is an entry in ClinVar:

NM_177924.5(ASAH1):c.721C>T (p.Leu241=)

Gene: ASAH1 (N-acylsphingosine amidohydrolase 1; minus strand). Cytogenetic location: 8p22.
Variant type: single nucleotide variant.
Coding change: c.721C>T on transcript NM_177924.5 (MANE Select); coding-DNA position 721, C replaced by T.
Protein change: p.Leu241=; no amino-acid change (leucine 241 retained).
Molecular consequence: synonymous variant.
Genome position (GRCh38, 1-based): chr8:18,061,441, G>A on the plus strand (C>T on the coding strand, the complement: ASAH1 is on the minus strand). VCF-style: chr8-18061441-G-A. GRCh37 (hg19) VCF-style: chr8-17918950-G-A.
Other names: c.703C>T, p.Leu235= (NM_001127505.3); c.526C>T, p.Leu176= (NM_001363743.2); c.769C>T, p.Leu257= (NM_004315.6).
Identifiers: ClinVar variation 779830 (VCV000779830.37), dbSNP rs373977871, ClinGen allele CA4650696.

ClinVar aggregate classification (germline): Likely benign. Review status: criteria provided, multiple submitters, no conflicts (2 of 4 stars). 3 submissions from 3 submitters: Likely benign (3). Last evaluated 2026-01-25.

Allele frequency attached by ClinVar (database versions not stated): TOPMed 0.00005; gnomAD exomes 0.00006; gnomAD 0.00007; ExAC 0.00009; ESP Exome Variant Server 0.00015.

Submissions (3):

Labcorp Genetics (formerly Invitae), Labcorp
Classification: Likely benign. Last evaluated: 2026-01-25. Review status: criteria provided, single submitter. Criteria: Invitae Variant Classification Sherloc (09022015). Collection method: clinical testing. Allele origin: germline.

Blueprint Genetics
Classification: Likely benign. Last evaluated: 2024-11-07. Review status: criteria provided, single submitter. Criteria: ACMG Guidelines, 2015. Collection method: clinical testing. Allele origin: germline.

CeGaT Center for Human Genetics Tuebingen
Classification: Likely benign. Last evaluated: 2022-11-01. Review status: criteria provided, single submitter. Criteria: CeGaT Center For Human Genetics Tuebingen Variant Classification Criteria Version 2. Collection method: clinical testing. Allele origin: germline. Affected: yes. Observed: 1 variant allele.
Comment: ASAH1: BP4, BP7